The following is an entry in ClinVar:

ClinVar aggregate classification (germline): Uncertain significance (1 of 4 stars; one submission).

Conditions:
Hyperammonemia, type III (NAGSD). Also called: Hyperammonemia due to N-acetylglutamate synthase deficiency. Identifiers: Orphanet 927, MedGen C0268543, MONDO:0009377, OMIM 237310.

Allele frequency attached by ClinVar (database versions not stated): gnomAD 0.00001; TOPMed 0.00002.
gnomAD v4.1: 3 of 1,612,766 alleles (0.00019%); highest among the groups gnomAD compares: Admixed American, 0.005%; no homozygotes.

Submission:

Labcorp Genetics (formerly Invitae), Labcorp
Classification: Uncertain significance for Hyperammonemia, type III. Last evaluated: 2024-06-17. Review status: criteria provided, single submitter. Criteria: Invitae Variant Classification Sherloc (09022015). Collection method: clinical testing. Allele origin: germline.
Comment: This sequence change replaces proline, which is neutral and non-polar, with threonine, which is neutral and polar, at codon 260 of the NAGS protein (p.Pro260Thr). The frequency data for this variant in the population databases is considered unreliable, as metrics indicate poor data quality at this position in the gnomAD database. This variant has not been reported in the literature in individuals affected with NAGS-related conditions. ClinVar contains an entry for this variant (Variation ID: 2116479). Advanced modeling of protein sequence and biophysical properties (such as structural, functional, and spatial information, amino acid conservation, physicochemical variation, residue mobility, and thermodynamic stability) performed at Invitae indicates that this missense variant is not expected to disrupt NAGS protein function with a negative predictive value of 80%. In summary, the available evidence is currently insufficient to determine the role of this variant in disease. Therefore, it has been classified as a Variant of Uncertain Significance.

NM_153006.3(NAGS):c.778C>A (p.Pro260Thr)

Gene: NAGS (N-acetylglutamate synthase; plus strand). Cytogenetic location: 17q21.31.
Variant type: single nucleotide variant.
Coding change: c.778C>A on transcript NM_153006.3 (MANE Select); coding-DNA position 778, C replaced by A.
Protein change: p.Pro260Thr; replaces proline 260 with threonine.
Molecular consequence: missense variant.
Genome position (GRCh38, 1-based): chr17:44,006,100, C>A. VCF-style: chr17-44006100-C-A. GRCh37 (hg19) VCF-style: chr17-42083468-C-A.
Other names: short protein forms P260T.
Identifiers: ClinVar variation 2116479 (VCV002116479.4), dbSNP rs1415745864, ClinGen allele CA399725464.
Genomic context (GRCh38, chr17:44,006,100, plus strand): 5'-TCGGTGGAGACAGACCTGCTGCAGTGGTGCCTGGAGTCGGGCAGCATCCCCATCCTGTGC[C>A]CCATCGGGGAGACGGCCGCGCGCCGCTCCGTGCTTCTCGACTCCCTGGAGGTGACCGCGT-3'
Protein context (NP_694551.1, residues 250-270): LESGSIPILC[Pro260Thr]IGETAARRSV